The following is an entry in ClinVar:

NM_000090.4(COL3A1):c.1942G>A (p.Gly648Ser)

Gene: COL3A1 (collagen type III alpha 1 chain; plus strand). Cytogenetic location: 2q32.2.
Variant type: single nucleotide variant.
Coding change: c.1942G>A on transcript NM_000090.4 (MANE Select); coding-DNA position 1942, G replaced by A.
Protein change: p.Gly648Ser; replaces glycine 648 with serine.
Molecular consequence: missense variant.
Genome position (GRCh38, 1-based): chr2:188,998,284, G>A. VCF-style: chr2-188998284-G-A. GRCh37 (hg19) VCF-style: chr2-189863010-G-A.
Other names: short protein forms G648S.
Identifiers: ClinVar variation 4800324 (VCV004800324.1).

ClinVar aggregate classification (germline): Likely pathogenic (1 of 4 stars; one submission).

Conditions:
Ehlers-Danlos syndrome, type 4 (EDSVASC). Also called: Ehlers-Danlos syndrome vascular type; Ehlers Danlos syndrome, ecchymotic type; Ehlers Danlos syndrome, arterial type; Ehlers Danlos syndrome, Sack-Barabas type; Ehlers-Danlos Syndrome Type IV. Identifiers: Orphanet 286, MedGen C0268338, MONDO:0017314, OMIM 130050.

Submission:

Labcorp Genetics (formerly Invitae), Labcorp
Classification: Likely pathogenic for Ehlers-Danlos syndrome, type 4. Last evaluated: 2025-07-27. Review status: criteria provided, single submitter. Criteria: Invitae Variant Classification Sherloc (09022015). Collection method: clinical testing. Allele origin: germline.
Comment: This sequence change replaces glycine, which is neutral and non-polar, with serine, which is neutral and polar, at codon 648 of the COL3A1 protein (p.Gly648Ser). This variant is not present in population databases (gnomAD no frequency). This variant has not been reported in the literature in individuals affected with COL3A1-related conditions. Invitae Evidence Modeling of protein sequence and biophysical properties (such as structural, functional, and spatial information, amino acid conservation, physicochemical variation, residue mobility, and thermodynamic stability) indicates that this missense variant is expected to disrupt COL3A1 protein function with a positive predictive value of 95%. This variant disrupts the triple helix domain of COL3A1. Glycine residues within the Gly-Xaa-Yaa repeats of the triple helix domain are required for the structure and stability of fibrillar collagens (PMID: 7695699, 8218237, 19344236). In COL3A1, variants that affect these glycine residues are significantly enriched in individuals with disease (PMID: 24922459, 25758994) compared to the general population (ExAC). In summary, the currently available evidence indicates that the variant is pathogenic, but additional data are needed to prove that conclusively. Therefore, this variant has been classified as Likely Pathogenic.

Literature cited by the submitters: PubMed 7695699; PubMed 8218237; PubMed 19344236; PubMed 24922459; PubMed 25758994.